The following is an entry in ClinVar:

NM_182746.3(MCM4):c.2236A>G (p.Lys746Glu)

Gene: MCM4 (minichromosome maintenance complex component 4; plus strand). Cytogenetic location: 8q11.21.
Variant type: single nucleotide variant.
Coding change: c.2236A>G on transcript NM_182746.3 (MANE Select); coding-DNA position 2236, A replaced by G.
Protein change: p.Lys746Glu; replaces lysine 746 with glutamic acid.
Molecular consequence: missense variant.
Genome position (GRCh38, 1-based): chr8:47,974,833, A>G. VCF-style: chr8-47974833-A-G. GRCh37 (hg19) VCF-style: chr8-48887393-A-G.
Other names: c.2236A>G, p.Lys746Glu (NM_005914.4); short protein forms K746E.
Identifiers: ClinVar variation 2786179 (VCV002786179.3), dbSNP rs2551885260, ClinGen allele CA371155842.
Genomic context (GRCh38, chr8:47,974,833, plus strand): 5'-ATGGTTTCTGCATACCCTCGACAGCTAGAGTCATTAATCCGCTTAGCAGAAGCCCATGCT[A>G]AAGTAAGATTGTCTAACAAAGTTGAAGCCATTGATGTGGAAGAGGCCAAACGCCTCCATC-3'
Protein context (NP_877423.1, residues 736-756): SLIRLAEAHA[Lys746Glu]VRLSNKVEAI

ClinVar aggregate classification (germline): Uncertain significance (1 of 4 stars; one submission).

Submission:

Labcorp Genetics (formerly Invitae), Labcorp
Classification: Uncertain significance. Last evaluated: 2023-12-06. Review status: criteria provided, single submitter. Criteria: Invitae Variant Classification Sherloc (09022015). Collection method: clinical testing. Allele origin: germline.
Comment: This sequence change replaces lysine, which is basic and polar, with glutamic acid, which is acidic and polar, at codon 746 of the MCM4 protein (p.Lys746Glu). This variant is not present in population databases (gnomAD no frequency). This variant has not been reported in the literature in individuals affected with MCM4-related conditions. Advanced modeling of protein sequence and biophysical properties (such as structural, functional, and spatial information, amino acid conservation, physicochemical variation, residue mobility, and thermodynamic stability) performed at Invitae indicates that this missense variant is expected to disrupt MCM4 protein function with a positive predictive value of 80%. In summary, the available evidence is currently insufficient to determine the role of this variant in disease. Therefore, it has been classified as a Variant of Uncertain Significance.